The following is an entry in ClinVar:

ClinVar aggregate classification (germline): Uncertain significance. Review status: criteria provided, multiple submitters, no conflicts (2 of 4 stars). 2 submissions from 2 submitters: Uncertain significance (2). Last evaluated 2026-08-08.

Conditions:
Cardiovascular phenotype. Identifiers: MedGen CN230736.

Allele frequency attached by ClinVar (database versions not stated): TOPMed below 0.00001 and 0.00001.
gnomAD v4.1: 1 of 1,614,202 alleles (0.000062%); highest among the groups gnomAD compares: Non-Finnish European, 0.000085%; no homozygotes.

Submissions (2):

Ambry Genetics
Classification: Uncertain significance for Cardiovascular phenotype. Last evaluated: 2026-08-08. Review status: criteria provided, single submitter. Criteria: Ambry Variant Classification Scheme 2023. Collection method: clinical testing. Allele origin: germline.
Comment: The p.L143P variant (also known as c.428T>C), located in coding exon 5 of the APOB gene, results from a T to C substitution at nucleotide position 428. The leucine at codon 143 is replaced by proline, an amino acid with similar properties. This amino acid position is conserved. In addition, the in silico prediction for this alteration is inconclusive. Based on the available evidence, the clinical significance of this variant remains unclear.

GeneDx
Classification: Uncertain significance. Last evaluated: 2026-03-26. Review status: criteria provided, single submitter. Criteria: GeneDx Variant Classification Process June 2021. Collection method: clinical testing. Allele origin: germline.
Comment: Not observed at significant frequency in large population cohorts (gnomAD); In silico analysis supports that this missense variant has a deleterious effect on protein structure/function; Has not been previously published as pathogenic or benign to our knowledge

NM_000384.3(APOB):c.428T>C (p.Leu143Pro)

Gene: APOB (apolipoprotein B; minus strand). Cytogenetic location: 2p24.1.
Variant type: single nucleotide variant.
Coding change: c.428T>C on transcript NM_000384.3 (MANE Select); coding-DNA position 428, T replaced by C.
Protein change: p.Leu143Pro; replaces leucine 143 with proline.
Molecular consequence: missense variant.
Genome position (GRCh38, 1-based): chr2:21,038,067, A>G on the plus strand (T>C on the coding strand, the complement: APOB is on the minus strand). VCF-style: chr2-21038067-A-G. GRCh37 (hg19) VCF-style: chr2-21260939-A-G.
Other names: short protein forms L143P.
Identifiers: ClinVar variation 5017640 (VCV005017640.2), dbSNP rs1327483607.
Genomic context (GRCh38, chr2:21,038,067, plus strand): 5'-GCAGAAATGATGCCCCTCTTGATGTTCAGGATGTAAGTAGGTTCATCTTTCTCCGGGTAA[A>G]GGAAAACCTGCTTCCCTTCTGGAATGGCCAGCTTGAGCTCATACCTGTCCCAGAGAGAGG-3'
Protein context (NP_000375.3, residues 133-153): LAIPEGKQVF[Leu143Pro]YPEKDEPTYI